The following is an entry in ClinVar:

ClinVar aggregate classification (germline): Likely benign. Review status: criteria provided, multiple submitters, no conflicts (2 of 4 stars). 3 submissions from 3 submitters: Likely benign (2). 1 of the submissions does not count toward it. Last evaluated 2023-12-09.

Conditions:
LRP2-related disorder. Also called: LRP2-related condition.

Allele frequency attached by ClinVar (database versions not stated): gnomAD exomes below 0.00001 and 0.00002; TOPMed below 0.00001; ExAC 0.00001; gnomAD 0.00001; 1000 Genomes Project 30x 0.00016; 1000 Genomes Project 0.00020.
gnomAD v4.1: 35 of 1,614,186 alleles (0.0022%); highest among the groups gnomAD compares: Non-Finnish European, 0.0026%; no homozygotes.

Submissions (3):

Labcorp Genetics (formerly Invitae), Labcorp
Classification: Likely benign. Last evaluated: 2023-12-09. Review status: criteria provided, single submitter. Criteria: Invitae Variant Classification Sherloc (09022015). Collection method: clinical testing. Allele origin: germline.

Blueprint Genetics
Classification: Likely benign. Last evaluated: 2018-11-02. Review status: criteria provided, single submitter. Criteria: ACMG Guidelines, 2015. Collection method: clinical testing. Allele origin: germline.

PreventionGenetics, part of Exact Sciences
Classification: Likely benign for LRP2-related condition. Last evaluated: 2023-05-17. Review status: no assertion criteria provided. Collection method: clinical testing. Allele origin: germline. Not counted in ClinVar's aggregate classification.
Comment: This variant is classified as likely benign based on ACMG/AMP sequence variant interpretation guidelines (Richards et al. 2015 PMID: 25741868, with internal and published modifications).

NM_004525.3(LRP2):c.5052A>G (p.Gln1684=)

Gene: LRP2 (LDL receptor related protein 2; minus strand). Cytogenetic location: 2q31.1.
Variant type: single nucleotide variant.
Coding change: c.5052A>G on transcript NM_004525.3 (MANE Select); coding-DNA position 5052, A replaced by G.
Protein change: p.Gln1684=; no amino-acid change (glutamine 1684 retained).
Molecular consequence: synonymous variant.
Genome position (GRCh38, 1-based): chr2:169,233,457, T>C on the plus strand (A>G on the coding strand, the complement: LRP2 is on the minus strand). VCF-style: chr2-169233457-T-C. GRCh37 (hg19) VCF-style: chr2-170089967-T-C.
Other names: c.5052A>G (NM_004525.2).
Identifiers: ClinVar variation 1400058 (VCV001400058.9), dbSNP rs568387449, ClinGen allele CA1954638.